The following is an entry in ClinVar:

ClinVar aggregate classification (germline): Likely benign. Review status: criteria provided, single submitter (1 of 4 stars). 2 submissions from 2 submitters: Likely benign (1). 1 of the submissions does not count toward it. Last evaluated 2025-02-17.

Conditions:
Bardet-Biedl syndrome (BBS). Identifiers: Orphanet 110, MedGen C0752166, MONDO:0015229.
BBS9-related disorder. Also called: BBS9-related condition.

Allele frequency attached by ClinVar (database versions not stated): gnomAD exomes below 0.00001.
gnomAD v4.1: 1 of 1,612,914 alleles (0.000062%); highest among the groups gnomAD compares: Non-Finnish European, 0.000085%; no homozygotes.

Submissions (2):

Labcorp Genetics (formerly Invitae), Labcorp
Classification: Likely benign for Bardet-Biedl syndrome. Last evaluated: 2025-02-17. Review status: criteria provided, single submitter. Criteria: Invitae Variant Classification Sherloc (09022015). Collection method: clinical testing. Allele origin: germline.

PreventionGenetics, part of Exact Sciences
Classification: Likely benign for BBS9-related condition. Last evaluated: 2020-10-05. Review status: no assertion criteria provided. Collection method: clinical testing. Allele origin: germline. Not counted in ClinVar's aggregate classification.
Comment: This variant is classified as likely benign based on ACMG/AMP sequence variant interpretation guidelines (Richards et al. 2015 PMID: 25741868, with internal and published modifications).

NM_198428.3(BBS9):c.1899A>G (p.Ala633=)

Gene: BBS9 (Bardet-Biedl syndrome 9; plus strand). Cytogenetic location: 7p14.3.
Variant type: single nucleotide variant.
Coding change: c.1899A>G on transcript NM_198428.3 (MANE Select); coding-DNA position 1899, A replaced by G.
Protein change: p.Ala633=; no amino-acid change (alanine 633 retained).
Molecular consequence: synonymous variant. On other transcripts: non-coding transcript variant (3).
Genome position (GRCh38, 1-based): chr7:33,383,775, A>G. VCF-style: chr7-33383775-A-G. GRCh37 (hg19) VCF-style: chr7-33423387-A-G.
Other names: c.1899A>G (NM_198428.2); c.1794A>G, p.Ala598= (NM_001033604.2); c.1884A>G, p.Ala628= (NM_001033605.2); c.1899A>G, p.Ala633= (NM_001348036.1, NM_001348041.4, NM_001348043.3 and 3 more transcripts); c.1533A>G, p.Ala511= (NM_001348037.3, NM_001348045.3, NM_001348046.3); c.1626A>G, p.Ala542= (NM_001348038.3); c.1521A>G, p.Ala507= (NM_001348039.3); c.1779A>G, p.Ala593= (NM_001348040.3, NM_014451.4); and 2 more.
Identifiers: ClinVar variation 2986524 (VCV002986524.4), dbSNP rs2536327885, ClinGen allele CA454458740.
Genomic context (GRCh38, chr7:33,383,775, plus strand): 5'-CAATGAGCTTATTCTTCGCCTTCAAGAATATTTTGAAAAACAGGGAGTCAAAGATTTTGC[A>G]TGTTCTTTTTCGGGATCTATACCCCTTCAAGAATATTTTGAGTTGATTGATCATCATTTT-3'
Protein context (NP_940820.1, residues 623-643): YFEKQGVKDF[Ala633=]CSFSGSIPLQ